The following is an entry in ClinVar:

NM_001114753.3(ENG):c.-78G>A

Gene: ENG (endoglin; minus strand). Cytogenetic location: 9q34.11.
Variant type: single nucleotide variant.
Coding change: c.-78G>A on transcript NM_001114753.3 (MANE Select); 78 bases upstream of the start codon, G replaced by A.
Molecular consequence: 5 prime UTR variant.
Genome position (GRCh38, 1-based): chr9:127,854,433, C>T on the plus strand (G>A on the coding strand, the complement: ENG is on the minus strand). VCF-style: chr9-127854433-C-T. GRCh37 (hg19) VCF-style: chr9-130616712-C-T.
Other names: c.-78G>A (NM_000118.4, NM_001406715.1).
Identifiers: ClinVar variation 2156372 (VCV002156372.2), dbSNP rs914239466, ClinGen allele CA200326793.

ClinVar aggregate classification (germline): Uncertain significance (1 of 4 stars; one submission).

Conditions:
Hereditary hemorrhagic telangiectasia (HHT). Also called: ORW DISEASE; Osler Weber Rendu syndrome; OSLER-RENDU-WEBER DISEASE; Osler hemorrhagic telangiectasia syndrome. Identifiers: Orphanet 774, MedGen C0039445, MONDO:0019180. Disease mechanism: loss of function.

Allele frequency attached by ClinVar (database versions not stated): gnomAD exomes 0.00001; gnomAD 0.00003; TOPMed 0.00003.
gnomAD v4.1: 16 of 1,477,878 alleles (0.0011%); highest among the groups gnomAD compares: Admixed American, 0.012%; no homozygotes.

Submission:

Labcorp Genetics (formerly Invitae), Labcorp
Classification: Uncertain significance for Hereditary hemorrhagic telangiectasia. Last evaluated: 2024-06-06. Review status: criteria provided, single submitter. Criteria: Invitae Variant Classification Sherloc (09022015). Collection method: clinical testing. Allele origin: germline.
Comment: This variant occurs in a non-coding region of the ENG gene. It does not change the encoded amino acid sequence of the ENG protein. This variant is present in population databases (no rsID available, gnomAD 0.06%). This variant has not been reported in the literature in individuals affected with ENG-related conditions. ClinVar contains an entry for this variant (Variation ID: 2156372). Experimental studies and prediction algorithms are not available or were not evaluated, and the functional significance of this variant is currently unknown. In summary, the available evidence is currently insufficient to determine the role of this variant in disease. Therefore, it has been classified as a Variant of Uncertain Significance.